The following is an entry in ClinVar:

NM_000505.4(F12):c.712dup (p.Cys238fs)

Gene: F12 (coagulation factor XII; minus strand). Cytogenetic location: 5q35.3.
Variant type: Duplication.
Coding change: c.712dup on transcript NM_000505.4 (MANE Select); coding-DNA position 712, one base duplicated (T; older notation c.712dupT).
Protein change: p.Cys238fs; shifts the reading frame from cysteine 238.
Molecular consequence: frameshift variant.
Genome position (GRCh38, 1-based): chr5:177,404,587, A duplicated on the plus strand (T on the coding strand, the reverse complement: F12 is on the minus strand). VCF-style (leftmost placement, unchanged base first): chr5-177404586-C-CA. GRCh37 (hg19) VCF-style: chr5-176831587-C-CA.
Other names: short protein forms C238fs.
Identifiers: ClinVar variation 5006874 (VCV005006874.2).

ClinVar aggregate classification (germline): Likely pathogenic (1 of 4 stars; one submission).

Conditions:
Hereditary angioedema type 3 (HAE3). Also called: HAE WITH NORMAL C1 INHIBITOR CONCENTRATION AND FUNCTION; ANGIONEUROTIC EDEMA, HEREDITARY, WITH NORMAL C1 INHIBITOR CONCENTRATION AND FUNCTION; ESTROGEN-RELATED HAE; ESTROGEN-SENSITIVE HAE. Identifiers: Orphanet 100054, MedGen C1857728, MONDO:0012526, OMIM 610618.
Factor XII deficiency disease. Also called: HAF DEFICIENCY; Reduced factor XII activity; Congenital factor XII deficiency; F12 DEFICIENCY. Identifiers: Orphanet 330, MedGen C0015526, MONDO:0009315, OMIM 234000, HP:0004841.

Submission:

Juno Genomics, Hangzhou Juno Genomics, Inc
Classification: Likely pathogenic for Hereditary angioedema type 3; Factor XII deficiency disease. Review status: criteria provided, single submitter. Criteria: ACMG Guidelines, 2015. Collection method: clinical testing. Allele origin: germline.
Comment: Null variant in a gene where loss of function (LOF) is a known mechanism of disease.;Absent from controls (or at extremely low frequency if recessive) in Genome Aggregation Database.